The following is an entry in ClinVar:

ClinVar aggregate classification (germline): Uncertain significance (1 of 4 stars; one submission).

Submission:

GeneDx
Classification: Uncertain significance. Last evaluated: 2026-04-14. Review status: criteria provided, single submitter. Criteria: GeneDx Variant Classification Process June 2021. Collection method: clinical testing. Allele origin: germline.
Comment: Not observed at significant frequency in large population cohorts (gnomAD); In silico analysis supports that this missense variant has a deleterious effect on protein structure/function; Has not been previously published as pathogenic or benign to our knowledge

NM_003458.4(BSN):c.617A>T (p.Asn206Ile)

Gene: BSN (bassoon presynaptic cytomatrix protein; plus strand). Cytogenetic location: 3p21.31.
Variant type: single nucleotide variant.
Coding change: c.617A>T on transcript NM_003458.4 (MANE Select); coding-DNA position 617, A replaced by T.
Protein change: p.Asn206Ile; replaces asparagine 206 with isoleucine.
Molecular consequence: missense variant.
Genome position (GRCh38, 1-based): chr3:49,625,367, A>T. VCF-style: chr3-49625367-A-T. GRCh37 (hg19) VCF-style: chr3-49662800-A-T.
Other names: short protein forms N206I.
Identifiers: ClinVar variation 5037063 (VCV005037063.1).
Genomic context (GRCh38, chr3:49,625,367, plus strand): 5'-ACTTCAACACCTGCACCCAGTGTCACAACAAGGTCTGCAACCAGTGTGGGTTCAACCCCA[A>T]CCCTCATCTCACCCAGGTAACCACTTCTGCGCCGGCTCCCCACTCACCTGCTACCTCATT-3'
Protein context (NP_003449.2, residues 196-216): KVCNQCGFNP[Asn206Ile]PHLTQVKEWL